The following continues an entry in ClinVar:

NM_000545.8(HNF1A):c.392G>A (p.Arg131Gln)

Gene: HNF1A. ClinVar aggregate classification (germline): Pathogenic. Pathogenic (1).

Submissions 7 to 11 of 11:

Athena Diagnostics
Classification: Pathogenic. Last evaluated: 2021-10-15. Review status: criteria provided, single submitter. Criteria: Athena Diagnostics Criteria. Collection method: clinical testing. Allele origin: unknown. Not counted in ClinVar's aggregate classification.
Comment: The frequency of this variant in the general population is consistent with pathogenicity (Genome Aggregation Database (gnomAD), Cambridge, MA (URL)). This variant has been identified in multiple individuals with clinical features associated with this gene, including multiple de novo occurrences. At least one other missense variant at this codon is considered to be pathogenic or likely pathogenic, suggesting this variant may also cause disease. Assessment of experimental evidence suggests this variant results in abnormal protein function. This variant shows reduced transcriptional activity compared to wildtype in multiple cell lines (PMID: 23607861, 27899486, 32910913). The variant is located in a region that is considered important for protein function and/or structure.

Broad Center for Mendelian Genomics, Broad Institute of MIT and Harvard
Classification: Pathogenic for Maturity-onset diabetes of the young type 3. Last evaluated: 2020-01-22. Review status: criteria provided, single submitter. Criteria: ACMG Guidelines, 2015. Collection method: curation. Allele origin: germline. Inheritance: Autosomal dominant inheritance. Not counted in ClinVar's aggregate classification.
Comment: The p.Arg131Gln variant in HNF1A has been reported in at least 15 individuals with maturity-onset diabetes of the young, segregated with disease in 4 affected relatives from 2 families (PMID: 24323243, 12442280, 22060211, 17937063, 18838325, 11315851, 9032114, 9287053, 18003757), but has been identified in 0.0009% (1/113698) of European (non-Finnish) chromosomes by the Genome Aggregation Database (gnomAD; dbSNP rs753998395). Please note that for diseases with clinical variability, or reduced penetrance, pathogenic variants may be present at a low frequency in the general population. This variant has also been reported pathogenic by Columbia University in ClinVar (Variation ID: 562373). In vitro functional studies provide some evidence that the p.Arg131Gln variant may slightly impact protein function (PMID: 27899486). However, these types of assays may not accurately represent biological function. Computational prediction tools and conservation analyses suggest that this variant may impact the protein, though this information is not predictive enough to determine pathogenicity. The p.Arg131Gln variant is located in a region of HNF1A that is essential to protein folding and stability, suggesting that this variant is in a functional domain and supports pathogenicity (PMID: 28410371). In summary, this variant meets criteria to be classified as pathogenic for maturity-onset diabetes of the young in an autosomal dominant manner based on more affected individuals with the variant than expected, low frequency in the general population, location in a functional domain, and in vitro functional studies. ACMG/AMP Criteria applied: PS4, PM2, PM1, PP3, PP1, PS3_Supporting (Richards 2015).

Clinical Genomics, Uppaluri K&H Personalized Medicine Clinic
Classification: Pathogenic for Maturity-onset diabetes of the young. Review status: criteria provided, single submitter. Criteria: K & H Uppaluri Personalized Medicine Clinic Variant Classification & Assertion Criteria_Updated V.1. Collection method: research. Allele origin: unknown. Inheritance: Autosomal dominant inheritance. Not counted in ClinVar's aggregate classification.
Comment: Mutations in HNF1A gene can predispose to MODY3. It is associated with both micro and macrovascular complications of diabetes, especially cardiovascular complications. Associated with glucosuria. May respond well to sulfonylureas. Sufficient evidence is found to confer the association of this particular variant rs753998395 with MODY3.

Gharavi Laboratory, Columbia University
Classification: Pathogenic. Last evaluated: 2018-09-16. Review status: no assertion criteria provided. Criteria: ACMG Guidelines, 2015. Collection method: research. Allele origin: germline. Affected: yes. Not counted in ClinVar's aggregate classification.

Genomics And Bioinformatics Analysis Resource, Columbia University
Classification: Pathogenic for Maturity-onset diabetes of the young type 3. Review status: no assertion criteria provided. Collection method: research. Allele origin: unknown. Affected: yes. Not counted in ClinVar's aggregate classification.

Literature cited by the submitters: PubMed 12442280 (cited by 3 submitters); PubMed 10980542 (cited by Women's Health and Genetics/Laboratory Corporation of America, LabCorp); PubMed 10027594 (cited by Women's Health and Genetics/Laboratory Corporation of America, LabCorp and Athena Diagnostics); PubMed 9287053 (cited by 3 submitters); PubMed 9032114 (cited by 3 submitters); PubMed 8945470 (cited by 3 submitters); PubMed 10333057 (cited by Women's Health and Genetics/Laboratory Corporation of America, LabCorp); PubMed 16223942 (cited by 3 submitters); PubMed 10585442 (cited by Women's Health and Genetics/Laboratory Corporation of America, LabCorp and Athena Diagnostics); PubMed 17924661 (cited by Women's Health and Genetics/Laboratory Corporation of America, LabCorp); PubMed 17937063 (cited by 3 submitters); PubMed 11978663 (cited by Women's Health and Genetics/Laboratory Corporation of America, LabCorp and Athena Diagnostics); PubMed 11315851 (cited by 3 submitters); PubMed 18838325 (cited by 3 submitters); PubMed 18513302 (cited by Women's Health and Genetics/Laboratory Corporation of America, LabCorp and Athena Diagnostics); PubMed 27899486 (cited by 5 submitters); PubMed 39859454 (cited by Women's Health and Genetics/Laboratory Corporation of America, LabCorp); PubMed 24323243 (cited by Athena Diagnostics and Broad Center for Mendelian Genomics, Broad Institute of MIT and Harvard); PubMed 22060211 (cited by Athena Diagnostics and Broad Center for Mendelian Genomics, Broad Institute of MIT and Harvard); PubMed 25414397 (cited by Athena Diagnostics); PubMed 23607861 (cited by Athena Diagnostics); PubMed 24097065 (cited by Athena Diagnostics); PubMed 10447526 (cited by Athena Diagnostics); PubMed 15305805 (cited by Athena Diagnostics); PubMed 32910913 (cited by Athena Diagnostics); PubMed 28410371 (cited by Athena Diagnostics and Broad Center for Mendelian Genomics, Broad Institute of MIT and Harvard); PubMed 34462253 (cited by Athena Diagnostics); PubMed 29927023 (cited by Athena Diagnostics); PubMed 28597946 (cited by Athena Diagnostics); PubMed 23139355 (cited by Athena Diagnostics); PubMed 12453420 (cited by Athena Diagnostics); PubMed 12646418 (cited by Athena Diagnostics); PubMed 18003757 (cited by Broad Center for Mendelian Genomics, Broad Institute of MIT and Harvard).